The following is an entry in ClinVar:

ClinVar aggregate classification (germline): Conflicting classifications of pathogenicity. Review status: criteria provided, conflicting classifications (1 of 4 stars). 3 submissions from 3 submitters: Likely pathogenic (1); Uncertain significance (2). Last evaluated 2024-07-23.

Conditions:
Hereditary cancer-predisposing syndrome. Also called: Hereditary neoplastic syndrome; Tumor predisposition; Neoplastic Syndromes, Hereditary; Hereditary Cancer Syndrome. Identifiers: Orphanet 140162, MedGen C0027672, MeSH D009386, MONDO:0015356.
Oligodontia-cancer predisposition syndrome. Also called: TOOTH AGENESIS-COLORECTAL CANCER SYNDROME. Identifiers: Orphanet 300576, MedGen C1837750, MONDO:0012075, OMIM 608615. Disease mechanism: loss of function.

Submissions (3):

Ambry Genetics
Classification: Uncertain significance for Hereditary cancer-predisposing syndrome. Last evaluated: 2024-07-23. Review status: criteria provided, single submitter. Criteria: Ambry Variant Classification Scheme 2023. Collection method: clinical testing. Allele origin: germline.
Comment: The c.1907+1G>A intronic variant results from a G to A substitution one nucleotide after coding exon 6 of the AXIN2 gene. This region of the AXIN2 gene is excluded from other biologically relevant AXIN2 transcripts. In silico splice site analysis predicts that this alteration will weaken the native splice donor site; however, direct evidence is insufficient at this time (Ambry internal data). The resulting transcript is predicted to be in-frame and is not expected to trigger nonsense-mediated mRNA decay; however, direct evidence is unavailable. The exact functional effect of the altered amino acid sequence is unknown. This nucleotide position is highly conserved in available vertebrate species. Based on the available evidence, the clinical significance of this variant remains unclear.

Labcorp Genetics (formerly Invitae), Labcorp
Classification: Uncertain significance for Oligodontia-cancer predisposition syndrome. Last evaluated: 2024-05-22. Review status: criteria provided, single submitter. Criteria: Invitae Variant Classification Sherloc (09022015). Collection method: clinical testing. Allele origin: germline.
Comment: This sequence change affects a donor splice site in intron 7 of the AXIN2 gene. Loss-of-function variants in AXIN2 are known to be pathogenic (PMID: 21416598, 15042511). However, tissue-specific alternative splicing of AXIN2 gene results in functional isoform lacking in-frame exon 7 (also known as exon 6, PMID: 15735151). For this reason the clinical significance of loss of function variants in exon 7 is currently uncertain. This variant is not present in population databases (gnomAD no frequency). This variant has not been reported in the literature in individuals affected with AXIN2-related conditions. ClinVar contains an entry for this variant (Variation ID: 1692851). Variants that disrupt the consensus splice site are a relatively common cause of aberrant splicing (PMID: 17576681, 9536098). Studies have shown disruption of this splice site is associated with skipping of exon 7, but one or more of the resulting mRNA isoform(s) may be naturally occurring (PMID: 15735151; Invitae). In summary, the available evidence is currently insufficient to determine the role of this variant in disease. Therefore, it has been classified as a Variant of Uncertain Significance.

Sema4
Classification: Likely pathogenic for Hereditary cancer-predisposing syndrome. Last evaluated: 2022-01-27. Review status: criteria provided, single submitter. Criteria: Sema4 Curation Guidelines. Collection method: curation. Allele origin: germline.
Comment: The AXIN2 c.1907+1G>A variant has not been reported in the literature to our knowledge. This variant affects a nucleotide within a consensus splice donor site of an intron 7. This variant may cause exon skipping, intron retention or use of a cryptic splice site, resulting in an abnormal protein or a transcript that is subject to nonsense-mediated mRNA decay. Loss-of-function variants in AXIN2 are known to be pathogenic (PMID: 15042511, 21416598). This variant was not observed in the Genome Aggregation Database (PMID: 32461654), nor in ClinVar. Based on the current evidence available, this variant is interpreted as likely pathogenic.

Literature cited by the submitters: PubMed 21416598 (cited by Labcorp Genetics (formerly Invitae), Labcorp and Sema4); PubMed 15042511 (cited by Labcorp Genetics (formerly Invitae), Labcorp and Sema4); PubMed 17576681 (cited by Labcorp Genetics (formerly Invitae), Labcorp); PubMed 9536098 (cited by Labcorp Genetics (formerly Invitae), Labcorp); PubMed 15735151 (cited by Labcorp Genetics (formerly Invitae), Labcorp).

NM_004655.4(AXIN2):c.1907+1G>A

Gene: AXIN2 (axin 2; minus strand). Cytogenetic location: 17q24.1.
Variant type: single nucleotide variant.
Coding change: c.1907+1G>A on transcript NM_004655.4 (MANE Select); the canonical splice donor site of the intron after coding-DNA position 1907, G replaced by A.
Molecular consequence: splice donor variant. On other transcripts: intron variant (1).
Genome position (GRCh38, 1-based): chr17:65,536,868, C>T on the plus strand (G>A on the coding strand, the complement: AXIN2 is on the minus strand). VCF-style: chr17-65536868-C-T. GRCh37 (hg19) VCF-style: chr17-63532986-C-T.
Other names: c.1713-315G>A (NM_001363813.1).
Identifiers: ClinVar variation 1692851 (VCV001692851.5), dbSNP rs2043930740, ClinGen allele CA400676370.